The following is an entry in ClinVar:

NM_018896.5(CACNA1G):c.3194C>T (p.Ala1065Val)

Gene: CACNA1G (calcium voltage-gated channel subunit alpha1 G; plus strand). Cytogenetic location: 17q21.33.
Variant type: single nucleotide variant.
Coding change: c.3194C>T on transcript NM_018896.5 (MANE Select); coding-DNA position 3194, C replaced by T.
Protein change: p.Ala1065Val; replaces alanine 1065 with valine.
Molecular consequence: missense variant. On other transcripts: non-coding transcript variant (5).
Genome position (GRCh38, 1-based): chr17:50,596,859, C>T. VCF-style: chr17-50596859-C-T. GRCh37 (hg19) VCF-style: chr17-48674220-C-T.
Other names: c.3194C>T, p.Ala1065Val (NM_001256324.2, NM_001256325.2, NM_001256326.2 and 16 more transcripts); c.3125C>T, p.Ala1042Val (NM_001256332.2, NM_198376.3, NM_198379.3 and 5 more transcripts); short protein forms A1042V, A1065V.
Identifiers: ClinVar variation 4085894 (VCV004085894.8).

ClinVar aggregate classification (germline): Likely benign (1 of 4 stars; one submission).

gnomAD v4.1: 22 of 1,596,846 alleles (0.0014%); highest among the groups gnomAD compares: Admixed American, 0.019%; no homozygotes.

Submission:

CeGaT Center for Human Genetics Tuebingen
Classification: Likely benign. Last evaluated: 2025-08-01. Review status: criteria provided, single submitter. Criteria: CeGaT Center For Human Genetics Tuebingen Variant Classification Criteria Version 2. Collection method: clinical testing. Allele origin: germline. Affected: yes. Observed: 1 variant allele.
Comment: CACNA1G: BP4